The following is an entry in ClinVar:

NM_000535.7(PMS2):c.1313del (p.Lys438fs)

Gene: PMS2 (PMS1 homolog 2, mismatch repair system component; minus strand). Cytogenetic location: 7p22.1.
Variant type: Deletion.
Coding change: c.1313del on transcript NM_000535.7 (MANE Select); coding-DNA position 1313, one base deleted (A; older notation c.1313delA).
Protein change: p.Lys438fs; shifts the reading frame from lysine 438.
Molecular consequence: frameshift variant. On other transcripts: non-coding transcript variant (1), intron variant (1).
Genome position (GRCh38, 1-based): chr7:5,987,452, T deleted on the plus strand (A on the coding strand, the reverse complement: PMS2 is on the minus strand); the first of 3 consecutive T bases (chr7:5,987,452-5,987,454); deleting any one gives the same sequence. VCF-style (leftmost placement, unchanged base first): chr7-5987451-CT-C. GRCh37 (hg19) VCF-style: chr7-6027082-CT-C.
Other names: c.908del, p.Lys303fs (NM_001322003.2, NM_001322004.2, NM_001322005.2 and 16 more transcripts); c.1157del, p.Lys386fs (NM_001322006.2, NM_001406870.1); c.995del, p.Lys332fs (NM_001322007.2, NM_001322008.2, NM_001406876.1 and 2 more transcripts); c.752del, p.Lys251fs (NM_001322010.2, NM_001406906.1, NM_001406907.1); c.380del, p.Lys127fs (NM_001322011.2, NM_001322012.2); c.740del, p.Lys247fs (NM_001322013.2, NM_001406909.1); c.1313del, p.Lys438fs (NM_001322014.2, NM_001406871.1, NM_001406872.1); c.1004del, p.Lys335fs (NM_001322015.2, NM_001406875.1, NM_001406877.1 and 5 more transcripts); and 13 more; short protein forms K127fs, K181fs, K247fs, K251fs, K267fs, K280fs, K283fs, K303fs.
Identifiers: ClinVar variation 3893231 (VCV003893231.1).

ClinVar aggregate classification (germline): Likely pathogenic (1 of 4 stars; one submission).

Conditions:
Lynch syndrome 4 (LYNCH4). Also called: Colorectal cancer, hereditary nonpolyposis, type 4; Hereditary non-polyposis colorectal cancer, type 4. Identifiers: Orphanet 144, MedGen C1838333, MONDO:0013699, OMIM 614337. Disease mechanism: loss of function.

Submission:

Illumina Laboratory Services, Illumina
Classification: Likely pathogenic for Lynch syndrome 4. Last evaluated: 2023-12-15. Review status: criteria provided, single submitter. Criteria: ICSLVariantClassificationCriteria RUGD 01 April 2020. Collection method: clinical testing. Allele origin: unknown.
Comment: The PMS2 c.1313del p.(Lys438ArgfsTer10) variant causes a shift in the protein reading frame that is predicted to result in premature termination of the protein. Loss of normal protein function through either protein truncation or nonsense-mediated mRNA decay is expected. To our knowledge, this variant has not been reported in the peer-reviewed literature. This variant is not observed in version 2.1.1 or version 4.0.0 of the Genome Aggregation Database. Based on the available evidence, the c.1313del p.(Lys438ArgfsTer10) variant is classified as likely pathogenic for Lynch syndrome.